The following is an entry in ClinVar:

ClinVar aggregate classification (germline): Uncertain significance. Review status: criteria provided, multiple submitters, no conflicts (2 of 4 stars). 2 submissions from 2 submitters: Uncertain significance (2). Last evaluated 2023-06-09.

Submissions (2):

GeneDx
Classification: Uncertain significance. Last evaluated: 2023-06-09. Review status: criteria provided, single submitter. Criteria: GeneDx Variant Classification Process June 2021. Collection method: clinical testing. Allele origin: germline. Affected: yes.
Comment: Not observed at significant frequency in large population cohorts (gnomAD); In silico analysis supports that this missense variant has a deleterious effect on protein structure/function; Has not been previously published as pathogenic or benign to our knowledge

Labcorp Genetics (formerly Invitae), Labcorp
Classification: Uncertain significance. Last evaluated: 2022-08-15. Review status: criteria provided, single submitter. Criteria: Invitae Variant Classification Sherloc (09022015). Collection method: clinical testing. Allele origin: germline.
Comment: ClinVar contains an entry for this variant (Variation ID: 1015012). In summary, the available evidence is currently insufficient to determine the role of this variant in disease. Therefore, it has been classified as a Variant of Uncertain Significance. This variant disrupts the p.Pro543 amino acid residue in SNRNP200. Other variant(s) that disrupt this residue have been observed in individuals with SNRNP200-related conditions (PMID: 24265693), which suggests that this may be a clinically significant amino acid residue. Algorithms developed to predict the effect of missense changes on protein structure and function are either unavailable or do not agree on the potential impact of this missense change (SIFT: "Deleterious"; PolyPhen-2: "Benign"; Align-GVGD: "Class C0"). This missense change has been observed in individuals with autosomal dominant SNRNP200-related conditions (Invitae). This variant is not present in population databases (gnomAD no frequency). This sequence change replaces proline, which is neutral and non-polar, with alanine, which is neutral and non-polar, at codon 543 of the SNRNP200 protein (p.Pro543Ala).

Literature cited by the submitters: PubMed 24265693 (cited by Labcorp Genetics (formerly Invitae), Labcorp).

NM_014014.5(SNRNP200):c.1627C>G (p.Pro543Ala)

Gene: SNRNP200 (small nuclear ribonucleoprotein U5 subunit 200; minus strand). Cytogenetic location: 2q11.2.
Variant type: single nucleotide variant.
Coding change: c.1627C>G on transcript NM_014014.5 (MANE Select); coding-DNA position 1627, C replaced by G.
Protein change: p.Pro543Ala; replaces proline 543 with alanine.
Molecular consequence: missense variant.
Genome position (GRCh38, 1-based): chr2:96,296,580, G>C on the plus strand (C>G on the coding strand, the complement: SNRNP200 is on the minus strand). VCF-style: chr2-96296580-G-C. GRCh37 (hg19) VCF-style: chr2-96962318-G-C.
Other names: c.1627C>G (NM_014014.4); short protein forms P543A.
Identifiers: ClinVar variation 1015012 (VCV001015012.9), dbSNP rs1057519143, ClinGen allele CA347681993.